The following is an entry in ClinVar:

ClinVar aggregate classification (germline): Uncertain significance (1 of 4 stars; one submission).

Conditions:
Familial thoracic aortic aneurysm and aortic dissection (TAAD). Also called: Thoracic aortic aneurysms and dissections. Identifiers: Orphanet 91387, MedGen C4707243, MONDO:0019625.

Submission:

Ambry Genetics
Classification: Uncertain significance for Familial thoracic aortic aneurysm and aortic dissection. Last evaluated: 2023-06-14. Review status: criteria provided, single submitter. Criteria: Ambry Variant Classification Scheme 2023. Collection method: clinical testing. Allele origin: germline.
Comment: The p.G329S variant (also known as c.985G>A), located in coding exon 6 of the NOTCH1 gene, results from a G to A substitution at nucleotide position 985. The glycine at codon 329 is replaced by serine, an amino acid with similar properties. This amino acid position is conserved. In addition, this alteration is predicted to be deleterious by in silico analysis. Since supporting evidence is limited at this time, the clinical significance of this alteration remains unclear.

NM_017617.5(NOTCH1):c.985G>A (p.Gly329Ser)

Gene: NOTCH1 (notch receptor 1; minus strand). Cytogenetic location: 9q34.3.
Variant type: single nucleotide variant.
Coding change: c.985G>A on transcript NM_017617.5 (MANE Select); coding-DNA position 985, G replaced by A.
Protein change: p.Gly329Ser; replaces glycine 329 with serine.
Molecular consequence: missense variant.
Genome position (GRCh38, 1-based): chr9:136,518,705, C>T on the plus strand (G>A on the coding strand, the complement: NOTCH1 is on the minus strand). VCF-style: chr9-136518705-C-T. GRCh37 (hg19) VCF-style: chr9-139413157-C-T.
Other names: short protein forms G329S.
Identifiers: ClinVar variation 2566664 (VCV002566664.2), dbSNP rs2133371087, ClinGen allele CA375565479.